The following is an entry in ClinVar:

NM_000179.3(MSH6):c.3106C>G (p.Leu1036Val)

Gene: MSH6 (mutS homolog 6; plus strand). Cytogenetic location: 2p16.3.
Variant type: single nucleotide variant.
Coding change: c.3106C>G on transcript NM_000179.3 (MANE Select); coding-DNA position 3106, C replaced by G.
Protein change: p.Leu1036Val; replaces leucine 1036 with valine.
Molecular consequence: missense variant.
Genome position (GRCh38, 1-based): chr2:47,801,089, C>G. VCF-style: chr2-47801089-C-G. GRCh37 (hg19) VCF-style: chr2-48028228-C-G.
Other names: c.2716C>G, p.Leu906Val (NM_001281492.2); c.2200C>G, p.Leu734Val (NM_001281493.2, NM_001281494.2); short protein forms L906V, L1036V, L734V.
Identifiers: ClinVar variation 951939 (VCV000951939.13), dbSNP rs1558668117, ClinGen allele CA346756607.

ClinVar aggregate classification (germline): Uncertain significance. Review status: criteria provided, multiple submitters, no conflicts (2 of 4 stars). 4 submissions from 4 submitters: Uncertain significance (4). Last evaluated 2025-12-23.

Conditions:
Lynch syndrome. Identifiers: Orphanet 144, MedGen C4552100, MONDO:0005835. Disease mechanism: loss of function.
Hereditary nonpolyposis colorectal neoplasms. Identifiers: MedGen C0009405, MeSH D003123.
Hereditary cancer-predisposing syndrome. Also called: Tumor predisposition; Hereditary neoplastic syndrome; Hereditary Cancer Syndrome; Neoplastic Syndromes, Hereditary. Identifiers: Orphanet 140162, MedGen C0027672, MeSH D009386, MONDO:0015356.

Submissions (4):

Ambry Genetics
Classification: Uncertain significance for Hereditary cancer-predisposing syndrome. Last evaluated: 2025-12-23. Review status: criteria provided, single submitter. Criteria: Ambry Variant Classification Scheme 2023. Collection method: clinical testing. Allele origin: germline.
Comment: The p.L1036V variant (also known as c.3106C>G), located in coding exon 4 of the MSH6 gene, results from a C to G substitution at nucleotide position 3106. The leucine at codon 1036 is replaced by valine, an amino acid with highly similar properties. This amino acid position is conserved. In addition, the in silico prediction for this alteration is inconclusive. Based on the available evidence, the clinical significance of this variant remains unclear.

Labcorp Genetics (formerly Invitae), Labcorp
Classification: Uncertain significance for Hereditary nonpolyposis colorectal neoplasms. Last evaluated: 2025-12-20. Review status: criteria provided, single submitter. Criteria: Invitae Variant Classification Sherloc (09022015). Collection method: clinical testing. Allele origin: germline.
Comment: This sequence change replaces leucine, which is neutral and non-polar, with valine, which is neutral and non-polar, at codon 1036 of the MSH6 protein (p.Leu1036Val). This variant is not present in population databases (gnomAD no frequency). This variant has not been reported in the literature in individuals affected with MSH6-related conditions. ClinVar contains an entry for this variant (Variation ID: 951939). Invitae Evidence Modeling of protein sequence and biophysical properties (such as structural, functional, and spatial information, amino acid conservation, physicochemical variation, residue mobility, and thermodynamic stability) indicates that this missense variant is not expected to disrupt MSH6 protein function with a negative predictive value of 95%. In summary, the available evidence is currently insufficient to determine the role of this variant in disease. Therefore, it has been classified as a Variant of Uncertain Significance.

All of Us Research Program, National Institutes of Health
Classification: Uncertain significance for Lynch syndrome. Last evaluated: 2023-07-19. Review status: criteria provided, single submitter. Criteria: ACMG Guidelines, 2015. Collection method: clinical testing. Allele origin: germline. Inheritance: Autosomal dominant inheritance. Observed: 1 variant allele, 1 heterozygote.
Comment: This missense variant replaces leucine with valine at codon 1036 of the MSH6 protein. Computational prediction is inconclusive regarding the impact of this variant on protein structure and function (internally defined REVEL score threshold 0.5 < inconclusive < 0.7, PMID: 27666373). To our knowledge, functional studies have not been reported for this variant. This variant has not been reported in individuals affected with MSH6-related disorders in the literature. This variant has not been identified in the general population by the Genome Aggregation Database (gnomAD). The available evidence is insufficient to determine the role of this variant in disease conclusively. Therefore, this variant is classified as a Variant of Uncertain Significance.

This study involves interpretation of variants in research participants for the purpose of population health screening. Participant phenotype was not available at the time of variant classification. Additional details can be found in publication PMID: 35346344, PMCID: PMC8962531

Color Diagnostics, LLC DBA Color Health
Classification: Uncertain significance for Hereditary cancer-predisposing syndrome. Last evaluated: 2023-05-31. Review status: criteria provided, single submitter. Criteria: ACMG Guidelines, 2015. Collection method: clinical testing. Allele origin: germline.
Comment: This missense variant replaces leucine with valine at codon 1036 of the MSH6 protein. Computational prediction is inconclusive regarding the impact of this variant on protein structure and function (internally defined REVEL score threshold 0.5 < inconclusive < 0.7, PMID: 27666373). To our knowledge, functional studies have not been reported for this variant. This variant has not been reported in individuals affected with MSH6-related disorders in the literature. This variant has not been identified in the general population by the Genome Aggregation Database (gnomAD). The available evidence is insufficient to determine the role of this variant in disease conclusively. Therefore, this variant is classified as a Variant of Uncertain Significance.